The following is an entry in ClinVar:

NM_032447.5(FBN3):c.446delC (p.Ile150fs)

Gene: FBN3 (fibrillin 3; minus strand). Cytogenetic location: 19p13.2.
Variant type: Deletion.
Coding change: c.446delC on transcript NM_032447.5 (MANE Select); coding-DNA position 446, one base deleted (C).
Protein change: p.Ile150fs; shifts the reading frame from isoleucine 150.
Molecular consequence: frameshift variant.
Genome position (GRCh38, 1-based): chr19:8,144,971, G deleted on the plus strand (C on the coding strand, the reverse complement: FBN3 is on the minus strand); the first of 2 consecutive G bases (chr19:8,144,971-8,144,972); deleting either gives the same sequence. VCF-style (leftmost placement, unchanged base first): chr19-8144970-TG-T. GRCh37 (hg19) VCF-style: chr19-8209854-TG-T.
Other names: c.446delC, p.Ile150fs (NM_001321431.2); short protein forms I150fs.
Identifiers: ClinVar variation 4692682 (VCV004692682.1).

ClinVar aggregate classification (germline): Uncertain significance (1 of 4 stars; one submission).

Submission:

Labcorp Genetics (formerly Invitae), Labcorp
Classification: Uncertain significance. Last evaluated: 2025-11-13. Review status: criteria provided, single submitter. Criteria: Invitae Variant Classification Sherloc (09022015). Collection method: clinical testing. Allele origin: germline.
Comment: This sequence change creates a premature translational stop signal (p.Ile150Serfs*42) in the FBN3 gene. It is expected to result in an absent or disrupted protein product. However, the current clinical and genetic evidence is not sufficient to establish whether loss-of-function variants in FBN3 cause disease. This variant is not present in population databases (gnomAD no frequency). This variant has not been reported in the literature in individuals affected with FBN3-related conditions. In summary, the available evidence is currently insufficient to determine the role of this variant in disease. Therefore, it has been classified as a Variant of Uncertain Significance.